The following is an entry in ClinVar:

ClinVar aggregate classification (germline): Uncertain significance (1 of 4 stars; one submission).

Submission:

Ambry Genetics
Classification: Uncertain significance. Last evaluated: 2021-09-17. Review status: criteria provided, single submitter. Criteria: Ambry Variant Classification Scheme 2023. Collection method: clinical testing. Allele origin: germline.
Comment: The p.E1379D variant (also known as c.4137G>C), located in coding exon 17 of the NPAT gene, results from a G to C substitution at nucleotide position 4137. The glutamic acid at codon 1379 is replaced by aspartic acid, an amino acid with highly similar properties. This amino acid position is conserved. In addition, this alteration is predicted to be tolerated by in silico analysis. Since supporting evidence is limited at this time, the clinical significance of this alteration remains unclear.

NM_002519.3(NPAT):c.4137G>C (p.Glu1379Asp)

Gene: NPAT (nuclear protein, coactivator of histone transcription; minus strand). Cytogenetic location: 11q22.3.
Variant type: single nucleotide variant.
Coding change: c.4137G>C on transcript NM_002519.3 (MANE Select); coding-DNA position 4137, G replaced by C.
Protein change: p.Glu1379Asp; replaces glutamic acid 1379 with aspartic acid.
Molecular consequence: missense variant.
Genome position (GRCh38, 1-based): chr11:108,160,949, C>G on the plus strand (G>C on the coding strand, the complement: NPAT is on the minus strand). VCF-style: chr11-108160949-C-G. GRCh37 (hg19) VCF-style: chr11-108031676-C-G.
Other names: c.4158G>C, p.Glu1386Asp (NM_001321307.1); short protein forms E1379D, E1386D.
Identifiers: ClinVar variation 1738121 (VCV001738121.2), dbSNP rs2496693058, ClinGen allele CA382509286.